The following is an entry in ClinVar:

ClinVar aggregate classification (germline): Benign/Likely benign. Review status: criteria provided, multiple submitters, no conflicts (2 of 4 stars). 3 submissions from 2 submitters: Benign (2); Likely benign (1). Last evaluated 2021-08-21.

Conditions:
Leigh syndrome (NULS). Also called: Leigh Disease; Subacute necrotizing encephalopathy; Necrotizing encephalopathy infantile subacute of Leigh; Leigh's necrotizing encephalopathy; Leigh's disease; Leigh's syndrome. Identifiers: Orphanet 506, MedGen C2931891, MONDO:0009723, OMIM 256000.
Mitochondrial complex IV deficiency, nuclear type 1 (MC4DN1). Also called: COX DEFICIENCY; Mitochondrial complex IV deficiency; Complex 4 mitochondrial respiratory chain deficiency; Deficiency of mitochondrial respiratory chain complex4; Complex IV deficiency. Identifiers: MedGen C5435656, MONDO:0700250, OMIM 220110. Disease mechanism: loss of function.

Allele frequency attached by ClinVar (database versions not stated): 1000 Genomes Project 0.01358; gnomAD 0.01445 and 0.01548; 1000 Genomes Project 30x 0.01499; TOPMed 0.01626.

Submissions (3):

GeneDx
Classification: Benign. Last evaluated: 2021-08-21. Review status: criteria provided, single submitter. Criteria: GeneDx Variant Classification Process June 2021. Collection method: clinical testing. Allele origin: germline. Affected: yes.

Illumina Laboratory Services, Illumina
Classification: Benign for Leigh syndrome. Last evaluated: 2018-01-12. Review status: criteria provided, single submitter. Criteria: ICSL Variant Classification Criteria 13 December 2019. Collection method: clinical testing. Allele origin: germline.
Comment: This variant was observed in the ICSL laboratory as part of a predisposition screen in an ostensibly healthy population. It had not been previously curated by ICSL or reported in the Human Gene Mutation Database (HGMD: prior to June 1st, 2018), and was therefore a candidate for classification through an automated scoring system. Utilizing variant allele frequency, disease prevalence and penetrance estimates, and inheritance mode, an automated score was calculated to assess if this variant is too frequent to cause the disease. Based on the score and internal cut-off values, a variant classified as benign is not then subjected to further curation. The score for this variant resulted in a classification of benign for this disease.

Illumina Laboratory Services, Illumina
Classification: Likely benign for Mitochondrial complex IV deficiency, nuclear type 1. Last evaluated: 2018-01-12. Review status: criteria provided, single submitter. Criteria: ICSL Variant Classification Criteria 13 December 2019. Collection method: clinical testing. Allele origin: germline.
Comment: This variant was observed in the ICSL laboratory as part of a predisposition screen in an ostensibly healthy population. It had not been previously curated by ICSL or reported in the Human Gene Mutation Database (HGMD: prior to June 1st, 2018), and was therefore a candidate for classification through an automated scoring system. Utilizing variant allele frequency, disease prevalence and penetrance estimates, and inheritance mode, an automated score was calculated to assess if this variant is too frequent to cause the disease. Based on the score and internal cut-off values, a variant classified as likely benign is not then subjected to further curation. The score for this variant resulted in a classification of likely benign for this disease.

NM_001303.4(COX10):c.*1101C>T

Gene: COX10 (cytochrome c oxidase assembly factor heme A:farnesyltransferase COX10; plus strand). Cytogenetic location: 17p12.
Variant type: single nucleotide variant.
Coding change: c.*1101C>T on transcript NM_001303.4 (MANE Select); 1101 bases downstream of the stop codon, C replaced by T.
Molecular consequence: 3 prime UTR variant.
Genome position (GRCh38, 1-based): chr17:14,208,314, C>T. VCF-style: chr17-14208314-C-T. GRCh37 (hg19) VCF-style: chr17-14111631-C-T.
Identifiers: ClinVar variation 321840 (VCV000321840.7), dbSNP rs75165393, ClinGen allele CA10638949.
Genomic context (GRCh38, chr17:14,208,314, plus strand): 5'-TTATCCTGTGGCCAGGTGTGGTCTCGGTTACCAAATACGGTTACCTGCAGCTTTTTAGTC[C>T]TTTGTGCTCCCACGGGTCTGCAGAGTCCCATCTGCCCAAAGGTCTTGAAGCTTGACAGGA-3'